The following is an entry in ClinVar:

ClinVar aggregate classification (germline): Conflicting classifications of pathogenicity. Review status: criteria provided, conflicting classifications (1 of 4 stars). 2 submissions from 2 submitters: Uncertain significance (1); Benign (1). Last evaluated 2024-06-10.

Conditions:
Baller-Gerold syndrome (BGS). Also called: CRANIOSYNOSTOSIS WITH RADIAL DEFECTS. Identifiers: Orphanet 1225, MedGen C0265308, MONDO:0009039, OMIM 218600.
Ovarian cancer. Also called: OVARIAN CANCER, SOMATIC. Identifiers: Orphanet 213500, MedGen C1140680, MONDO:0008170, OMIM 167000.

Allele frequency attached by ClinVar (database versions not stated): gnomAD exomes below 0.00001 and 0.00002; TOPMed 0.00001.

Submissions (2):

Labcorp Genetics (formerly Invitae), Labcorp
Classification: Uncertain significance for Baller-Gerold syndrome. Last evaluated: 2024-06-10. Review status: criteria provided, single submitter. Criteria: Invitae Variant Classification Sherloc (09022015). Collection method: clinical testing. Allele origin: germline.
Comment: This sequence change replaces proline, which is neutral and non-polar, with serine, which is neutral and polar, at codon 94 of the RECQL4 protein (p.Pro94Ser). This variant is present in population databases (no rsID available, gnomAD 0.02%). This variant has not been reported in the literature in individuals affected with RECQL4-related conditions. ClinVar contains an entry for this variant (Variation ID: 529046). Advanced modeling of protein sequence and biophysical properties (such as structural, functional, and spatial information, amino acid conservation, physicochemical variation, residue mobility, and thermodynamic stability) performed at Invitae indicates that this missense variant is not expected to disrupt RECQL4 protein function with a negative predictive value of 80%. In summary, the available evidence is currently insufficient to determine the role of this variant in disease. Therefore, it has been classified as a Variant of Uncertain Significance.

Laboratory of Molecular Epidemiology of Birth Defects, West China Second University Hospital, Sichuan University
Classification: Benign for Ovarian cancer. Last evaluated: 2022-01-01. Review status: criteria provided, single submitter. Criteria: ACMG Guidelines, 2015. Collection method: clinical testing. Allele origin: germline. Affected: yes.

NM_004260.4(RECQL4):c.280C>T (p.Pro94Ser)

Gene: RECQL4 (RecQ like helicase 4; minus strand). Cytogenetic location: 8q24.3.
Variant type: single nucleotide variant.
Coding change: c.280C>T on transcript NM_004260.4 (MANE Select); coding-DNA position 280, C replaced by T.
Protein change: p.Pro94Ser; replaces proline 94 with serine.
Molecular consequence: missense variant.
Genome position (GRCh38, 1-based): chr8:144,517,124, G>A on the plus strand (C>T on the coding strand, the complement: RECQL4 is on the minus strand). VCF-style: chr8-144517124-G-A. GRCh37 (hg19) VCF-style: chr8-145742508-G-A.
Other names: short protein forms P94S.
Identifiers: ClinVar variation 529046 (VCV000529046.7), dbSNP rs1359100897, ClinGen allele CA372692157.
Genomic context (GRCh38, chr8:144,517,124, plus strand): 5'-TCAGATTGGCCTTGAGCCGCTGCCCGTAGTCCGGCACCGAGCCCTGGCGGCTCCGCCCTG[G>A]CGTAGACTGTGGACTCTTGGTCGCAGCCCGATTCAGATGGGGCCCCCAGCAGCGGGGCTC-3'
Protein context (NP_004251.4, residues 84-104): RAATKSPQST[Pro94Ser]GRSRQGSVPD